The following is an entry in ClinVar:

ClinVar aggregate classification (germline): Benign/Likely benign. Review status: criteria provided, multiple submitters, no conflicts (2 of 4 stars). 4 submissions from 4 submitters: Benign (2); Likely benign (1). 1 of the submissions does not count toward it. Last evaluated 2025-12-24.

Conditions:
CYP51A1-related disorder. Also called: CYP51A1-related condition.

Allele frequency attached by ClinVar (database versions not stated): 1000 Genomes Project 0.00240; TOPMed 0.00296; ESP Exome Variant Server 0.00438; gnomAD exomes 0.00580 and 0.00670; gnomAD 0.00617 and 0.00649; ExAC 0.00678; 1000 Genomes Project 30x 0.00219.

Submissions (4):

Labcorp Genetics (formerly Invitae), Labcorp
Classification: Benign. Last evaluated: 2025-12-24. Review status: criteria provided, single submitter. Criteria: Invitae Variant Classification Sherloc (09022015). Collection method: clinical testing. Allele origin: germline.

CeGaT Center for Human Genetics Tuebingen
Classification: Likely benign. Last evaluated: 2023-04-01. Review status: criteria provided, single submitter. Criteria: CeGaT Center For Human Genetics Tuebingen Variant Classification Criteria Version 2. Collection method: clinical testing. Allele origin: germline. Affected: yes. Observed: 2 variant alleles.
Comment: CYP51A1: BS2; ENSG00000289027: BS2

Breakthrough Genomics
Classification: Benign. Review status: criteria provided, single submitter. Criteria: ACMG Guidelines, 2015. Collection method: not provided. Allele origin: germline. Inheritance: Unknown mechanism. Affected: yes.

PreventionGenetics, part of Exact Sciences
Classification: Benign for CYP51A1-related condition. Last evaluated: 2019-03-01. Review status: no assertion criteria provided. Collection method: clinical testing. Allele origin: germline. Not counted in ClinVar's aggregate classification.
Comment: This variant is classified as benign based on ACMG/AMP sequence variant interpretation guidelines (Richards et al. 2015 PMID: 25741868, with internal and published modifications).

NM_000786.4(CYP51A1):c.1309C>T (p.Pro437Ser)

Gene: CYP51A1 (cytochrome P450 family 51 subfamily A member 1; minus strand). Cytogenetic location: 7q21.2.
Variant type: single nucleotide variant.
Coding change: c.1309C>T on transcript NM_000786.4 (MANE Select); coding-DNA position 1309, C replaced by T.
Protein change: p.Pro437Ser; replaces proline 437 with serine.
Molecular consequence: missense variant.
Genome position (GRCh38, 1-based): chr7:92,117,086, G>A on the plus strand (C>T on the coding strand, the complement: CYP51A1 is on the minus strand). VCF-style: chr7-92117086-G-A. GRCh37 (hg19) VCF-style: chr7-91746400-G-A.
Other names: c.1309C>T (NM_000786.3); c.994C>T, p.Pro332Ser (NM_001146152.2); short protein forms P332S, P437S.
Identifiers: ClinVar variation 1580829 (VCV001580829.33), dbSNP rs59683852, ClinGen allele CA4338366.